The following is an entry in ClinVar:

NM_020457.3(THAP11):c.367CAG[11] (p.Gln132_Ser133insGln)

Genes: CENPT (centromere protein T; minus strand), THAP11 (THAP domain containing 11; plus strand). Cytogenetic location: 16q22.1.
Variant type: Microsatellite.
Coding change: c.367CAG[11] on transcript NM_020457.3 (MANE Select); 11 copies in a row of the 3-base unit CAG starting at c.367; the reference has ten copies in a row; one copy, 3 bases duplicated; also written c.394_396dup.
Protein change: p.Gln132_Ser133insGln.
Molecular consequence: inframe insertion. On other transcripts: intron variant (1).
Genome position (GRCh38, 1-based): chr16:67,842,948-67,842,950, CAG duplicated; duplicating any 3 consecutive bases within chr16:67,842,921-67,842,950 gives the same sequence; the position shown is the placement nearest the transcript's 3' end. VCF-style (leftmost placement, unchanged base first): chr16-67842920-A-ACAG. GRCh37 (hg19) VCF-style: chr16-67876823-A-ACAG.
Other names: p.Gln132dup; c.394_396dup (NM_020457.3); c.-492+4451CTG[11] (NM_025082.4).
Identifiers: ClinVar variation 1624627 (VCV001624627.11), dbSNP rs377516180, ClinGen allele CA8118230.

ClinVar aggregate classification (germline): Likely benign. Review status: criteria provided, multiple submitters, no conflicts (2 of 4 stars). 3 submissions from 3 submitters: Likely benign (2). 1 of the submissions does not count toward it. Last evaluated 2026-01-26.

Conditions:
THAP11-related disorder. Also called: THAP11-related condition.

Submissions (3):

Labcorp Genetics (formerly Invitae), Labcorp
Classification: Likely benign. Last evaluated: 2026-01-26. Review status: criteria provided, single submitter. Criteria: Invitae Variant Classification Sherloc (09022015). Collection method: clinical testing. Allele origin: germline.

Mayo Clinic Laboratories, Mayo Clinic
Classification: Likely benign. Last evaluated: 2024-11-13. Review status: criteria provided, single submitter. Criteria: ACMG Guidelines, 2015. Collection method: clinical testing. Allele origin: germline. Observed: 2 variant alleles.
Comment: BS1, BP4

PreventionGenetics, part of Exact Sciences
Classification: Benign for THAP11-related condition. Last evaluated: 2019-12-16. Review status: no assertion criteria provided. Collection method: clinical testing. Allele origin: germline. Not counted in ClinVar's aggregate classification.
Comment: This variant is classified as benign based on ACMG/AMP sequence variant interpretation guidelines (Richards et al. 2015 PMID: 25741868, with internal and published modifications).